The following is an entry in ClinVar:

NM_001370259.2(MEN1):c.1431A>C (p.Glu477Asp)

Gene: MEN1 (menin 1; minus strand). Cytogenetic location: 11q13.1.
Variant type: single nucleotide variant.
Coding change: c.1431A>C on transcript NM_001370259.2 (MANE Select); coding-DNA position 1431, A replaced by C.
Protein change: p.Glu477Asp; replaces glutamic acid 477 with aspartic acid.
Molecular consequence: missense variant. On other transcripts: non-coding transcript variant (4).
Genome position (GRCh38, 1-based): chr11:64,804,736, T>G on the plus strand (A>C on the coding strand, the complement: MEN1 is on the minus strand). VCF-style: chr11-64804736-T-G. GRCh37 (hg19) VCF-style: chr11-64572208-T-G.
Other names: c.1446A>C, p.Glu482Asp (NM_000244.4, NM_001407145.1, NM_130800.3 and 4 more transcripts); c.1557A>C, p.Glu519Asp (NM_001370251.2, NM_001407142.1, NM_001407143.1 and 1 more transcripts); c.1431A>C, p.Glu477Asp (NM_001370260.2, NM_001370261.2, NM_001407146.1 and 2 more transcripts); c.1326A>C, p.Glu442Asp (NM_001370262.2, NM_001370263.2, NM_001407148.1 and 1 more transcripts); c.1572A>C, p.Glu524Asp (NM_001407150.1); c.1452A>C, p.Glu484Asp (NM_001407151.1); c.1266A>C, p.Glu422Asp (NM_001407152.1); short protein forms E477D, E519D, E524D, E442D, E422D, E484D, E482D.
Identifiers: ClinVar variation 2564970 (VCV002564970.2), dbSNP rs863224811, ClinGen allele CA381179358.

ClinVar aggregate classification (germline): Uncertain significance (1 of 4 stars; one submission).

Conditions:
Hereditary cancer-predisposing syndrome. Also called: Neoplastic Syndromes, Hereditary; Hereditary Cancer Syndrome; Hereditary neoplastic syndrome; Tumor predisposition. Identifiers: Orphanet 140162, MedGen C0027672, MeSH D009386, MONDO:0015356.

Submission:

Ambry Genetics
Classification: Uncertain significance for Hereditary cancer-predisposing syndrome. Last evaluated: 2023-04-28. Review status: criteria provided, single submitter. Criteria: Ambry Variant Classification Scheme 2023. Collection method: clinical testing. Allele origin: germline.
Comment: The p.E477D variant (also known as c.1431A>C), located in coding exon 9 of the MEN1 gene, results from an A to C substitution at nucleotide position 1431. The glutamic acid at codon 477 is replaced by aspartic acid, an amino acid with highly similar properties. This amino acid position is conserved. In addition, the in silico prediction for this alteration is inconclusive. Since supporting evidence is limited at this time, the clinical significance of this alteration remains unclear.